The following is an entry in ClinVar:

NM_001161352.2(KCNMA1):c.667G>A (p.Val223Met)

Gene: KCNMA1 (potassium calcium-activated channel subfamily M alpha 1; minus strand). Cytogenetic location: 10q22.3.
Variant type: single nucleotide variant.
Coding change: c.667G>A on transcript NM_001161352.2 (MANE Select); coding-DNA position 667, G replaced by A.
Protein change: p.Val223Met; replaces valine 223 with methionine.
Molecular consequence: missense variant.
Genome position (GRCh38, 1-based): chr10:77,184,852, C>T on the plus strand (G>A on the coding strand, the complement: KCNMA1 is on the minus strand). VCF-style: chr10-77184852-C-T. GRCh37 (hg19) VCF-style: chr10-78944610-C-T.
Other names: c.667G>A, p.Val223Met (NM_001014797.3, NM_001161353.2, NM_001271519.2 and 7 more transcripts); c.505G>A, p.Val169Met (NM_001271518.2); c.127G>A, p.Val43Met (NM_001322838.2); short protein forms V223M, V169M, V43M.
Identifiers: ClinVar variation 464303 (VCV000464303.9), dbSNP rs779829350, ClinGen allele CA5568633.

ClinVar aggregate classification (germline): Uncertain significance (1 of 4 stars; one submission).

Conditions:
Generalized epilepsy-paroxysmal dyskinesia syndrome (PNKD3). Also called: Generalized epilepsy and paroxysmal dyskinesia; Paroxysmal nonkinesigenic dyskinesia, 3, with or without generalized epilepsy. Identifiers: Orphanet 79137, MedGen C5574945, MONDO:0012276, OMIM 609446.

Allele frequency attached by ClinVar (database versions not stated): ExAC 0.00001; gnomAD 0.00001; gnomAD exomes 0.00001.
gnomAD v4.1: 11 of 1,611,924 alleles (0.00068%); highest among the groups gnomAD compares: Admixed American, 0.0017%; no homozygotes.

Submission:

Labcorp Genetics (formerly Invitae), Labcorp
Classification: Uncertain significance for Generalized epilepsy-paroxysmal dyskinesia syndrome. Last evaluated: 2025-08-21. Review status: criteria provided, single submitter. Criteria: Invitae Variant Classification Sherloc (09022015). Collection method: clinical testing. Allele origin: germline.
Comment: This sequence change replaces valine, which is neutral and non-polar, with methionine, which is neutral and non-polar, at codon 223 of the KCNMA1 protein (p.Val223Met). This variant is present in population databases (rs779829350, gnomAD 0.004%). This variant has not been reported in the literature in individuals affected with KCNMA1-related conditions. ClinVar contains an entry for this variant (Variation ID: 464303). Invitae Evidence Modeling of protein sequence and biophysical properties (such as structural, functional, and spatial information, amino acid conservation, physicochemical variation, residue mobility, and thermodynamic stability) has been performed for this missense variant. However, the output from this modeling did not meet the statistical confidence thresholds required to predict the impact of this variant on KCNMA1 protein function. In summary, the available evidence is currently insufficient to determine the role of this variant in disease. Therefore, it has been classified as a Variant of Uncertain Significance.